The following is an entry in ClinVar:

ClinVar aggregate classification (germline): Uncertain significance (1 of 4 stars; one submission).

Conditions:
Alstrom syndrome (ALMS). Identifiers: Orphanet 64, MedGen C0268425, MONDO:0008763, OMIM 203800.

Submission:

Labcorp Genetics (formerly Invitae), Labcorp
Classification: Uncertain significance for Alstrom syndrome. Last evaluated: 2021-12-24. Review status: criteria provided, single submitter. Criteria: Invitae Variant Classification Sherloc (09022015). Collection method: clinical testing. Allele origin: germline.
Comment: This variant, c.6299_6304del, is a complex sequence change that results in the deletion of 3 and insertion of 1 amino acid(s) in the ALMS1 protein (p.Glu2100_Ser2102delinsAla). This variant is not present in population databases (gnomAD no frequency). This variant has not been reported in the literature in individuals affected with ALMS1-related conditions. Experimental studies and prediction algorithms are not available or were not evaluated, and the functional significance of this variant is currently unknown. In summary, the available evidence is currently insufficient to determine the role of this variant in disease. Therefore, it has been classified as a Variant of Uncertain Significance.

NM_001378454.1(ALMS1):c.6296_6301del (p.Glu2099_Ser2101delinsAla)

Gene: ALMS1 (ALMS1 centrosome and basal body associated protein; plus strand). Cytogenetic location: 2p13.1.
Variant type: Deletion.
Coding change: c.6296_6301del on transcript NM_001378454.1 (MANE Select); coding-DNA positions 6296 to 6301, 6 bases deleted (AGAAAT; older notation c.6296_6301delAGAAAT).
Protein change: p.Glu2099_Ser2101delinsAla.
Molecular consequence: inframe indel.
Genome position (GRCh38, 1-based): chr2:73,452,823-73,452,828, AGAAAT deleted. VCF-style (leftmost placement, unchanged base first): chr2-73452822-GAGAAAT-G. GRCh37 (hg19) VCF-style: chr2-73679949-GAGAAAT-G.
Other names: c.6299_6304del, p.Glu2100_Ser2102delinsAla (NM_015120.4).
Identifiers: ClinVar variation 2059218 (VCV002059218.4), dbSNP rs2466108668, ClinGen allele CA2580067909.